The following is an entry in ClinVar:

NM_133259.4(LRPPRC):c.3339del (p.Gln1114fs)

Gene: LRPPRC (leucine rich pentatricopeptide repeat containing; minus strand). Cytogenetic location: 2p21.
Variant type: Deletion.
Coding change: c.3339del on transcript NM_133259.4 (MANE Select); coding-DNA position 3339, one base deleted (G; older notation c.3339delG).
Protein change: p.Gln1114fs; shifts the reading frame from glutamine 1114.
Molecular consequence: frameshift variant.
Genome position (GRCh38, 1-based): chr2:43,905,717, C deleted on the plus strand (G on the coding strand, the reverse complement: LRPPRC is on the minus strand). VCF-style (leftmost placement, unchanged base first): chr2-43905716-GC-G. GRCh37 (hg19) VCF-style: chr2-44132855-GC-G.
Other names: short protein forms Q1114fs.
Identifiers: ClinVar variation 2740639 (VCV002740639.3), dbSNP rs2466401200, ClinGen allele CA2658836595.

ClinVar aggregate classification (germline): Pathogenic (1 of 4 stars; one submission).

Allele frequency attached by ClinVar (database versions not stated): gnomAD exomes below 0.00001.

Submission:

Labcorp Genetics (formerly Invitae), Labcorp
Classification: Pathogenic. Last evaluated: 2023-10-28. Review status: criteria provided, single submitter. Criteria: Invitae Variant Classification Sherloc (09022015). Collection method: clinical testing. Allele origin: germline.
Comment: This sequence change creates a premature translational stop signal (p.Gln1114Lysfs*7) in the LRPPRC gene. It is expected to result in an absent or disrupted protein product. Loss-of-function variants in LRPPRC are known to be pathogenic (PMID: 26510951). This variant is not present in population databases (gnomAD no frequency). This variant has not been reported in the literature in individuals affected with LRPPRC-related conditions. For these reasons, this variant has been classified as Pathogenic.

Literature cited by the submitters: PubMed 26510951.